The following is an entry in ClinVar:

ClinVar aggregate classification (germline): Benign/Likely benign. Review status: criteria provided, multiple submitters, no conflicts (2 of 4 stars). 5 submissions from 5 submitters: Benign (1); Likely benign (4). Last evaluated 2025-10-13.

Conditions:
Hereditary cancer-predisposing syndrome. Also called: Tumor predisposition; Hereditary Cancer Syndrome; Hereditary neoplastic syndrome; Neoplastic Syndromes, Hereditary. Identifiers: Orphanet 140162, MedGen C0027672, MeSH D009386, MONDO:0015356.
Classic or attenuated familial adenomatous polyposis. Identifiers: MedGen CN372698, MONDO:0021057.
Familial adenomatous polyposis 1 (FAP1). Also called: FAMILIAL ADENOMATOUS POLYPOSIS 1, ATTENUATED; POLYPOSIS, ADENOMATOUS INTESTINAL. Identifiers: MedGen C2713442, MONDO:0021056, OMIM 175100. Disease mechanism: loss of function.

gnomAD v4.1: 1 of 1,614,106 alleles (0.000062%); highest among the groups gnomAD compares: Non-Finnish European, 0.000085%; no homozygotes.

Submissions (5):

Labcorp Genetics (formerly Invitae), Labcorp
Classification: Likely benign for Familial adenomatous polyposis 1. Last evaluated: 2025-10-13. Review status: criteria provided, single submitter. Criteria: Invitae Variant Classification Sherloc (09022015). Collection method: clinical testing. Allele origin: germline.

Myriad Genetics, Inc.
Classification: Benign for Familial adenomatous polyposis 1. Last evaluated: 2024-03-22. Review status: criteria provided, single submitter. Criteria: Myriad Autosomal Dominant, Autosomal Recessive and X-Linked Classification Criteria (2023). Collection method: clinical testing. Allele origin: unknown.
Comment: This variant is considered benign. This variant is a silent/synonymous amino acid change and it is not expected to impact splicing.

All of Us Research Program, National Institutes of Health
Classification: Likely benign for Classic or attenuated familial adenomatous polyposis. Last evaluated: 2023-05-08. Review status: criteria provided, single submitter. Criteria: ACMG Guidelines, 2015. Collection method: clinical testing. Allele origin: germline. Inheritance: Autosomal dominant inheritance. Observed: 1 variant allele, 1 heterozygote.
Comment: This study involves interpretation of variants in research participants for the purpose of population health screening. Participant phenotype was not available at the time of variant classification. Additional details can be found in publication PMID: 35346344, PMCID: PMC8962531

Ambry Genetics
Classification: Likely benign for Hereditary cancer-predisposing syndrome. Last evaluated: 2020-08-06. Review status: criteria provided, single submitter. Criteria: Ambry Variant Classification Scheme 2023. Collection method: clinical testing. Allele origin: germline.

Color Diagnostics, LLC DBA Color Health
Classification: Likely benign for Hereditary cancer-predisposing syndrome. Last evaluated: 2019-12-20. Review status: criteria provided, single submitter. Criteria: ACMG Guidelines, 2015. Collection method: clinical testing. Allele origin: germline.

NM_000038.6(APC):c.3693C>T (p.Leu1231=)

Gene: APC (APC regulator of Wnt signaling pathway; plus strand). Cytogenetic location: 5q22.2.
Variant type: single nucleotide variant.
Coding change: c.3693C>T on transcript NM_000038.6 (MANE Select); coding-DNA position 3693, C replaced by T.
Protein change: p.Leu1231=; no amino-acid change (leucine 1231 retained).
Molecular consequence: synonymous variant.
Genome position (GRCh38, 1-based): chr5:112,839,287, C>T. VCF-style: chr5-112839287-C-T. GRCh37 (hg19) VCF-style: chr5-112174984-C-T.
Other names: c.3693C>T, p.Leu1231= (NM_001127510.3, NM_001354895.2); c.3639C>T, p.Leu1213= (NM_001127511.3); c.3747C>T, p.Leu1249= (NM_001354896.2); c.3723C>T, p.Leu1241= (NM_001354897.2); c.3618C>T, p.Leu1206= (NM_001354898.2); c.3609C>T, p.Leu1203= (NM_001354899.2); c.3570C>T, p.Leu1190= (NM_001354900.2); c.3516C>T, p.Leu1172= (NM_001354901.2); and 5 more.
Identifiers: ClinVar variation 537626 (VCV000537626.18), dbSNP rs1554085234, ClinGen allele CA445963901.
Genomic context (GRCh38, chr5:112,839,287, plus strand): 5'-GTCTTCAAGCAGTGAGAATACGTCCACACCTTCATCTAATGCCAAGAGGCAGAATCAGCT[C>T]CATCCAAGTTCTGCACAGAGTAGAAGTGGTCAGCCTCAAAAGGCTGCCACTTGCAAAGTT-3'
Protein context (NP_000029.2, residues 1221-1241): PSSNAKRQNQ[Leu1231=]HPSSAQSRSG